The following is an entry in ClinVar:

NM_001364905.1(LRBA):c.2449+1G>A

Gene: LRBA (LPS responsive beige-like anchor protein; minus strand). Cytogenetic location: 4q31.3.
Variant type: single nucleotide variant.
Coding change: c.2449+1G>A on transcript NM_001364905.1 (MANE Select); the canonical splice donor site of the intron after coding-DNA position 2449, G replaced by A.
Molecular consequence: splice donor variant.
Genome position (GRCh38, 1-based): chr4:150,870,524, C>T on the plus strand (G>A on the coding strand, the complement: LRBA is on the minus strand). VCF-style: chr4-150870524-C-T. GRCh37 (hg19) VCF-style: chr4-151791676-C-T.
Other names: c.2449+1G>A (NM_001367550.1, NM_006726.5, NM_001199282.3 and 2 more transcripts).
Identifiers: ClinVar variation 2188468 (VCV002188468.4), dbSNP rs2546552538, ClinGen allele CA358466090.
Genomic context (GRCh38, chr4:150,870,524, plus strand): 5'-ACAGTGACTTTCTTTTTAAGTAGCAAAAGGTAGTTTTTGTTAAAGTATATAAAATACATA[C>T]GAGGGTTTTGTATCTTCACTGAAGAATCAGGATCTGGATGCTGTTTATGTATCACCTGAG-3'

ClinVar aggregate classification (germline): Likely pathogenic (1 of 4 stars; one submission).

Conditions:
Combined immunodeficiency due to LRBA deficiency. Also called: Common variable immunodeficiency 8, with autoimmunity. Identifiers: Orphanet 445018, MedGen C3553512, MONDO:0013863, OMIM 614700.

gnomAD v4.1: 5 of 1,539,592 alleles (0.00032%); highest among the groups gnomAD compares: Non-Finnish European, 0.00045%; no homozygotes.

Submission:

Labcorp Genetics (formerly Invitae), Labcorp
Classification: Likely pathogenic for Combined immunodeficiency due to LRBA deficiency. Last evaluated: 2022-08-09. Review status: criteria provided, single submitter. Criteria: Invitae Variant Classification Sherloc (09022015). Collection method: clinical testing. Allele origin: germline.
Comment: In summary, the currently available evidence indicates that the variant is pathogenic, but additional data are needed to prove that conclusively. Therefore, this variant has been classified as Likely Pathogenic. Algorithms developed to predict the effect of sequence changes on RNA splicing suggest that this variant may disrupt the consensus splice site. This variant has not been reported in the literature in individuals affected with LRBA-related conditions. This variant is not present in population databases (gnomAD no frequency). This sequence change affects a donor splice site in intron 20 of the LRBA gene. It is expected to disrupt RNA splicing. Variants that disrupt the donor or acceptor splice site typically lead to a loss of protein function (PMID: 16199547), and loss-of-function variants in LRBA are known to be pathogenic (PMID: 26206937, 26768763).

Literature cited by the submitters: PubMed 16199547; PubMed 26206937; PubMed 26768763.